The following is an entry in ClinVar:

ClinVar aggregate classification (germline): Uncertain significance. Review status: criteria provided, multiple submitters, no conflicts (2 of 4 stars). 3 submissions from 3 submitters: Uncertain significance (2). 1 of the submissions does not count toward it. Last evaluated 2025-04-21.

Conditions:
Hereditary cancer-predisposing syndrome. Also called: Hereditary Cancer Syndrome; Hereditary neoplastic syndrome; Neoplastic Syndromes, Hereditary; Tumor predisposition. Identifiers: Orphanet 140162, MedGen C0027672, MeSH D009386, MONDO:0015356.
Hereditary breast ovarian cancer syndrome. Also called: BRCA1- and BRCA2-Associated Hereditary Breast and Ovarian Cancer; Hereditary breast and ovarian cancer syndrome; Hereditary breast and ovarian cancer syndrome (HBOC); Breast and ovarian cancer; Hereditary breast and/or ovarian cancer syndrome; Hereditary breast and ovarian cancer. Identifiers: Orphanet 145, MedGen C0677776, MeSH D061325, MONDO:0003582. Disease mechanism: loss of function.
Breast-ovarian cancer, familial, susceptibility to, 1 (BROVCA1). Also called: BRCA1 Hereditary Breast and Ovarian Cancer; OVARIAN CANCER, SUSCEPTIBILITY TO. Identifiers: Orphanet 145, MedGen C2676676, MONDO:0011450, OMIM 604370. Disease mechanism: loss of function.

Submissions (4):

Ambry Genetics
Classification: Uncertain significance for Hereditary cancer-predisposing syndrome. Last evaluated: 2025-04-21. Review status: criteria provided, single submitter. Criteria: Ambry Variant Classification Scheme 2023. Collection method: clinical testing. Allele origin: germline.
Comment: The p.A1752V variant (also known as c.5255C>T), located in coding exon 18 of the BRCA1 gene, results from a C to T substitution at nucleotide position 5255. The alanine at codon 1752 is replaced by valine, an amino acid with similar properties. One functional study found that this nucleotide substitution is non-functional in a high throughput genome editing haploid cell survival assay (Findlay GM et al. Nature, 2018 Oct;562:217-222). This amino acid position is well conserved in available vertebrate species. In addition, the in silico prediction for this alteration is inconclusive. Based on the available evidence, the clinical significance of this variant remains unclear.

Labcorp Genetics (formerly Invitae), Labcorp
Classification: Uncertain significance for Hereditary breast ovarian cancer syndrome. Last evaluated: 2020-07-31. Review status: criteria provided, single submitter. Criteria: Invitae Variant Classification Sherloc (09022015). Collection method: clinical testing. Allele origin: germline.
Comment: In summary, the available evidence is currently insufficient to determine the role of this variant in disease. Therefore, it has been classified as a Variant of Uncertain Significance. This variant has been reported to affect BRCA1 protein function (PMID: 30209399, 20516115). Algorithms developed to predict the effect of sequence changes on RNA splicing suggest that this variant may create or strengthen a splice site, but this prediction has not been confirmed by published transcriptional studies. This sequence change replaces alanine with valine at codon 1752 of the BRCA1 protein (p.Ala1752Val). The alanine residue is highly conserved and there is a small physicochemical difference between alanine and valine. This variant is not present in population databases (ExAC no frequency). This variant has been reported in individuals in the Leiden Open-source Variation Database (PMID: 21520333) and Breast Cancer Information Core database (PMID: 10923033). ClinVar contains an entry for this variant (Variation ID: 55484).

Breast Cancer Information Core (BIC) (BRCA1)
Classification: Uncertain significance for Breast-ovarian cancer, familial 1. Last evaluated: 2004-11-25. Review status: no assertion criteria provided. Collection method: clinical testing. Allele origin: germline. Affected: yes. Observed: 1 variant allele. Not counted in ClinVar's aggregate classification.

Brotman Baty Institute, University of Washington
No classification provided (evidence only). Condition: Breast-ovarian cancer, familial 1. Review status: no classification provided. Collection method: in vitro. Allele origin: not applicable. Functional consequence: functionally_abnormal. Not counted in ClinVar's aggregate classification.
ClinVar note: "not provided" was previously submitted as the classification for the variant. However, the classification appeared to be based only on an observation of functional data so it was converted to no classification on 2025-07-30.

Literature cited by the submitters: PubMed 20516115 (cited by Ambry Genetics and Labcorp Genetics (formerly Invitae), Labcorp); PubMed 30209399 (cited by Ambry Genetics and Labcorp Genetics (formerly Invitae), Labcorp); PubMed 21520333 (cited by Labcorp Genetics (formerly Invitae), Labcorp); PubMed 10923033 (cited by Labcorp Genetics (formerly Invitae), Labcorp).

NM_007294.4(BRCA1):c.5255C>T (p.Ala1752Val)

Gene: BRCA1 (BRCA1 DNA repair associated; minus strand). Cytogenetic location: 17q21.31.
Variant type: single nucleotide variant.
Coding change: c.5255C>T on transcript NM_007294.4 (MANE Select); coding-DNA position 5255, C replaced by T.
Protein change: p.Ala1752Val; replaces alanine 1752 with valine.
Molecular consequence: missense variant. On other transcripts: non-coding transcript variant (1).
Genome position (GRCh38, 1-based): chr17:43,057,074, G>A on the plus strand (C>T on the coding strand, the complement: BRCA1 is on the minus strand). VCF-style: chr17-43057074-G-A. GRCh37 (hg19) VCF-style: chr17-41209091-G-A.
Other names: c.5111C>T, p.Ala1704Val (NM_001407741.1, NM_001407742.1, NM_001407743.1 and 21 more transcripts); c.5252C>T, p.Ala1751Val (NM_001407611.1, NM_001407612.1, NM_001407613.1 and 17 more transcripts); c.5249C>T, p.Ala1750Val (NM_001407630.1, NM_001407631.1, NM_001407632.1 and 14 more transcripts); c.5177C>T, p.Ala1726Val (NM_001407652.1, NM_001407653.1, NM_001407654.1 and 1 more transcripts); c.5174C>T, p.Ala1725Val (NM_001407656.1, NM_001407657.1, NM_001407658.1); c.5171C>T, p.Ala1724Val (NM_001407659.1, NM_001407660.1, NM_001407661.1 and 2 more transcripts); c.5129C>T, p.Ala1710Val (NM_001407671.1, NM_001407672.1, NM_001407673.1 and 10 more transcripts); c.5123C>T, p.Ala1708Val (NM_001407690.1, NM_001407691.1); and 72 more; short protein forms A1752V, A648V, A1773V, A1705V, A1747V, A1748V, A1774V, A340V.
Identifiers: ClinVar variation 55484 (VCV000055484.15), dbSNP rs80357028, ClinGen allele CA003395.
Genomic context (GRCh38, chr17:43,057,074, plus strand): 5'-GGGTGAGATTTTTGTCAACTTGAGGGAGGGAGCTTTACCTTTCTGTCCTGGGATTCTCTT[G>A]CTCGCTTTGGACCTTGGTGGTTTCTTCCATTGACCACATCTCCTCTGACTTCAAAATCAT-3'
Protein context (NP_009225.1, residues 1742-1762): NGRNHQGPKR[Ala1752Val]RESQDRKIFR